The following is an entry in ClinVar:

NM_014284.3(NCDN):c.1838C>G (p.Pro613Arg)

Gene: NCDN (neurochondrin; plus strand). Cytogenetic location: 1p34.3.
Variant type: single nucleotide variant.
Coding change: c.1838C>G on transcript NM_014284.3 (MANE Select); coding-DNA position 1838, C replaced by G.
Protein change: p.Pro613Arg; replaces proline 613 with arginine.
Molecular consequence: missense variant.
Genome position (GRCh38, 1-based): chr1:35,565,311, C>G. VCF-style: chr1-35565311-C-G. GRCh37 (hg19) VCF-style: chr1-36030912-C-G.
Other names: c.1838C>G, p.Pro613Arg (NM_001014839.2); c.1787C>G, p.Pro596Arg (NM_001014841.2); short protein forms P596R, P613R.
Identifiers: ClinVar variation 5020924 (VCV005020924.1).
Genomic context (GRCh38, chr1:35,565,311, plus strand): 5'-GAGGGTTCTTCGCAGCTGCCATCCTCTTCCTATCACAGTCCCACGTGGCGCGGGCCACCC[C>G]GGGCTCAGACCAGGCAGTGCTAGCCCTGTCCCCTGAGTATGAGGGCATCTGGGCCGACCT-3'
Protein context (NP_055099.1, residues 603-623): LSQSHVARAT[Pro613Arg]GSDQAVLALS

ClinVar aggregate classification (germline): Uncertain significance (1 of 4 stars; one submission).

gnomAD v4.1: 1 of 1,613,986 alleles (0.000062%); highest among the groups gnomAD compares: Non-Finnish European, 0.000085%; no homozygotes.

Submission:

Dasa
Classification: Uncertain significance. Last evaluated: 2025-06-30. Review status: criteria provided, single submitter. Criteria: DASA Assertion Criteria. Collection method: clinical testing. Allele origin: germline.
Comment: NM_014284.3(NCDN):c.1838C>G (p.Pro613Arg) is a missense variant that results in the substitution of proline with arginine. This variant is rare in population databases. Computational prediction algorithms are consistent with a benign effect. The currently available literature and clinical evidence are not sufficient to establish a definitive association between this variant and the reported condition. Therefore, this variant is classified as a variant of uncertain significance.